The following is an entry in ClinVar:

NM_000179.3(MSH6):c.2152A>G (p.Ser718Gly)

Gene: MSH6 (mutS homolog 6; plus strand). Cytogenetic location: 2p16.3.
Variant type: single nucleotide variant.
Coding change: c.2152A>G on transcript NM_000179.3 (MANE Select); coding-DNA position 2152, A replaced by G.
Protein change: p.Ser718Gly; replaces serine 718 with glycine.
Molecular consequence: missense variant.
Genome position (GRCh38, 1-based): chr2:47,800,135, A>G. VCF-style: chr2-47800135-A-G. GRCh37 (hg19) VCF-style: chr2-48027274-A-G.
Other names: c.2152A>G (NM_000179.2); c.1762A>G, p.Ser588Gly (NM_001281492.2); c.1246A>G, p.Ser416Gly (NM_001281493.2, NM_001281494.2); short protein forms S416G, S588G, S718G.
Identifiers: ClinVar variation 1062710 (VCV001062710.10), dbSNP rs1003027504, ClinGen allele CA346751116.
Genomic context (GRCh38, chr2:47,800,135, plus strand): 5'-CAGGAGCTTTTATCAATGGCTAATTTTGAAGAATATATTCCCTTGGATTCTGACACAGTC[A>G]GCACTACAAGATCTGGTGCTATCTTCACCAAAGCCTATCAACGAATGGTGCTAGATGCAG-3'
Protein context (NP_000170.1, residues 708-728): EYIPLDSDTV[Ser718Gly]TTRSGAIFTK

ClinVar aggregate classification (germline): Uncertain significance. Review status: criteria provided, multiple submitters, no conflicts (2 of 4 stars). 2 submissions from 2 submitters: Uncertain significance (2). Last evaluated 2024-11-10.

Conditions:
Hereditary nonpolyposis colorectal neoplasms. Identifiers: MedGen C0009405, MeSH D003123.
Hereditary cancer-predisposing syndrome. Also called: Hereditary Cancer Syndrome; Hereditary neoplastic syndrome; Neoplastic Syndromes, Hereditary; Tumor predisposition. Identifiers: Orphanet 140162, MedGen C0027672, MeSH D009386, MONDO:0015356.

Submissions (2):

Ambry Genetics
Classification: Uncertain significance for Hereditary cancer-predisposing syndrome. Last evaluated: 2024-11-10. Review status: criteria provided, single submitter. Criteria: Ambry Variant Classification Scheme 2023. Collection method: clinical testing. Allele origin: germline.
Comment: The p.S718G variant (also known as c.2152A>G), located in coding exon 4 of the MSH6 gene, results from an A to G substitution at nucleotide position 2152. The serine at codon 718 is replaced by glycine, an amino acid with similar properties. This amino acid position is conserved. In addition, this alteration is predicted to be tolerated by in silico analysis. Based on the available evidence, the clinical significance of this variant remains unclear.

Labcorp Genetics (formerly Invitae), Labcorp
Classification: Uncertain significance for Hereditary nonpolyposis colorectal neoplasms. Last evaluated: 2020-10-29. Review status: criteria provided, single submitter. Criteria: Invitae Variant Classification Sherloc (09022015). Collection method: clinical testing. Allele origin: germline.
Comment: In summary, the available evidence is currently insufficient to determine the role of this variant in disease. Therefore, it has been classified as a Variant of Uncertain Significance. Algorithms developed to predict the effect of missense changes on protein structure and function output the following: SIFT: "Tolerated"; PolyPhen-2: "Benign"; Align-GVGD: "Class C0". The glycine amino acid residue is found in multiple mammalian species, suggesting that this missense change does not adversely affect protein function. These predictions have not been confirmed by published functional studies and their clinical significance is uncertain. This variant has not been reported in the literature in individuals with MSH6-related disease. This variant is not present in population databases (ExAC no frequency). This sequence change replaces serine with glycine at codon 718 of the MSH6 protein (p.Ser718Gly). The serine residue is weakly conserved and there is a small physicochemical difference between serine and glycine.